The following is an entry in ClinVar:

ClinVar aggregate classification (germline): Benign (0 of 4 stars; one submission).

Conditions:
ZFHX3-related disorder. Also called: ZFHX3-related condition.

Allele frequency attached by ClinVar (database versions not stated): gnomAD 0.00082; 1000 Genomes Project 30x 0.00578; 1000 Genomes Project 0.00579.
gnomAD v4.1: 2,110 of 1,605,262 alleles (0.13%); highest among the groups gnomAD compares: South Asian, 2.2%; 31 homozygotes.

Submission:

PreventionGenetics, part of Exact Sciences
Classification: Benign for ZFHX3-related condition. Last evaluated: 2019-11-16. Review status: no assertion criteria provided. Collection method: clinical testing. Allele origin: germline.
Comment: This variant is classified as benign based on ACMG/AMP sequence variant interpretation guidelines (Richards et al. 2015 PMID: 25741868, with internal and published modifications).

NM_006885.4(ZFHX3):c.10830C>G (p.Pro3610=)

Genes: ZFHX3 (zinc finger homeobox 3; minus strand), ZFHX3-AS1 (ZFHX3 antisense RNA 1; plus strand). Cytogenetic location: 16q22.2.
Variant type: single nucleotide variant.
Coding change: c.10830C>G on transcript NM_006885.4 (MANE Select); coding-DNA position 10830, C replaced by G.
Protein change: p.Pro3610=; no amino-acid change (proline 3610 retained).
Molecular consequence: synonymous variant. On other transcripts: non-coding transcript variant (1).
Genome position (GRCh38, 1-based): chr16:72,787,446, G>C on the plus strand (C>G on the coding strand, the complement: ZFHX3 is on the minus strand). VCF-style: chr16-72787446-G-C. GRCh37 (hg19) VCF-style: chr16-72821345-G-C.
Other names: c.8088C>G, p.Pro2696= (NM_001164766.2); c.10830C>G, p.Pro3610= (NM_001386735.1).
Identifiers: ClinVar variation 3034363 (VCV003034363.2), dbSNP rs560840757, ClinGen allele CA8162274.
Genomic context (GRCh38, chr16:72,787,446, plus strand): 5'-AGGGGGCTTCGCTGCCGAAGCCCGGGAGACCACTTGCGGCCAAGACTTCCTGGAGGCGTG[G>C]GGGGAAGCGGAGGAGGGGGCGGCGGCCGACGGGGGAGGGGGGCTGTCGTTTGAGTGAGCG-3'
Protein context (NP_008816.3, residues 3600-3620): PSAAAPSSAS[Pro3610=]HASRKSWPQV